The following is an entry in ClinVar:

NM_001042492.3(NF1):c.184T>G (p.Leu62Val)

Gene: NF1 (neurofibromin 1; plus strand). Cytogenetic location: 17q11.2.
Variant type: single nucleotide variant.
Coding change: c.184T>G on transcript NM_001042492.3 (MANE Select); coding-DNA position 184, T replaced by G.
Protein change: p.Leu62Val; replaces leucine 62 with valine.
Molecular consequence: missense variant.
Genome position (GRCh38, 1-based): chr17:31,156,106, T>G. VCF-style: chr17-31156106-T-G. GRCh37 (hg19) VCF-style: chr17-29483124-T-G.
Other names: c.184T>G, p.Leu62Val (NM_000267.4, NM_001128147.3); short protein forms L62V.
Identifiers: ClinVar variation 3878979 (VCV003878979.1).
Genomic context (GRCh38, chr17:31,156,106, plus strand): 5'-TGTCTAATCAATATTTCCAAATACAAGTTTTCTTTGGTTATAAGCGGCCTCACTACTATT[T>G]TAAAGAATGTTAACAATATGGTGAGTATTTGGGTTACTGTGTTTTGGGGAATTTGCTTTC-3'
Protein context (NP_001035957.1, residues 52-72): SLVISGLTTI[Leu62Val]KNVNNMRIFG

ClinVar aggregate classification (germline): Uncertain significance (1 of 4 stars; one submission).

Conditions:
Cardiovascular phenotype. Identifiers: MedGen CN230736.
Hereditary cancer-predisposing syndrome. Also called: Tumor predisposition; Neoplastic Syndromes, Hereditary; Hereditary Cancer Syndrome; Hereditary neoplastic syndrome. Identifiers: Orphanet 140162, MedGen C0027672, MeSH D009386, MONDO:0015356.

Submission:

Ambry Genetics
Classification: Uncertain significance for Cardiovascular phenotype; Hereditary cancer-predisposing syndrome. Last evaluated: 2025-01-10. Review status: criteria provided, single submitter. Criteria: Ambry Variant Classification Scheme 2023. Collection method: clinical testing. Allele origin: germline.
Comment: The p.L62V variant (also known as c.184T>G), located in coding exon 2 of the NF1 gene, results from a T to G substitution at nucleotide position 184. The leucine at codon 62 is replaced by valine, an amino acid with highly similar properties. This amino acid position is conserved. In addition, the in silico prediction for this alteration is inconclusive. Based on the available evidence, the clinical significance of this variant remains unclear.